The following is an entry in ClinVar:

ClinVar aggregate classification (germline): Uncertain significance (1 of 4 stars; one submission).

Conditions:
Facioscapulohumeral muscular dystrophy 2 (FSHD2). Also called: MUSCULAR DYSTROPHY, FACIOSCAPULOHUMERAL, TYPE 1B; FACIOSCAPULOHUMERAL MUSCULAR DYSTROPHY 2, DIGENIC; FSHD2, DIGENIC. Identifiers: Orphanet 269, MedGen C1834671, MONDO:0008031, OMIM 158901.

gnomAD v4.1: 1 of 1,605,256 alleles (0.000062%); highest among the groups gnomAD compares: Non-Finnish European, 0.000085%; no homozygotes.

Submission:

Labcorp Genetics (formerly Invitae), Labcorp
Classification: Uncertain significance for Facioscapulohumeral muscular dystrophy 2. Last evaluated: 2025-03-16. Review status: criteria provided, single submitter. Criteria: Invitae Variant Classification Sherloc (09022015). Collection method: clinical testing. Allele origin: germline.
Comment: This sequence change replaces cysteine, which is neutral and slightly polar, with tyrosine, which is neutral and polar, at codon 1982 of the SMCHD1 protein (p.Cys1982Tyr). The frequency data for this variant in the population databases is considered unreliable, as metrics indicate poor data quality at this position in the gnomAD database. This variant has not been reported in the literature in individuals affected with SMCHD1-related conditions. Invitae Evidence Modeling of protein sequence and biophysical properties (such as structural, functional, and spatial information, amino acid conservation, physicochemical variation, residue mobility, and thermodynamic stability) indicates that this missense variant is not expected to disrupt SMCHD1 protein function with a negative predictive value of 80%. In summary, the available evidence is currently insufficient to determine the role of this variant in disease. Therefore, it has been classified as a Variant of Uncertain Significance.

NM_015295.3(SMCHD1):c.5945G>A (p.Cys1982Tyr)

Gene: SMCHD1 (structural maintenance of chromosomes flexible hinge domain containing 1; plus strand). Cytogenetic location: 18p11.32.
Variant type: single nucleotide variant.
Coding change: c.5945G>A on transcript NM_015295.3 (MANE Select); coding-DNA position 5945, G replaced by A.
Protein change: p.Cys1982Tyr; replaces cysteine 1982 with tyrosine.
Molecular consequence: missense variant.
Genome position (GRCh38, 1-based): chr18:2,796,473, G>A. VCF-style: chr18-2796473-G-A. GRCh37 (hg19) VCF-style: chr18-2796471-G-A.
Other names: short protein forms C1982Y.
Identifiers: ClinVar variation 4744213 (VCV004744213.1).
Genomic context (GRCh38, chr18:2,796,473, plus strand): 5'-CTCCCATACGTAAGTGTAATGACTCATTGCGTCATTCACCAAAGGTTGAGACGACAGATT[G>A]TCCAGTTCCTCCTAAAAGAATGAGACGAGAAGCTACAAGACAAAATAGGTGAGTTTGTTT-3'
Protein context (NP_056110.2, residues 1972-1992): RHSPKVETTD[Cys1982Tyr]PVPPKRMRRE